The following is an entry in ClinVar:

NM_000135.4(FANCA):c.1186C>G (p.Leu396Val)

Gene: FANCA (FA complementation group A; minus strand). Cytogenetic location: 16q24.3.
Variant type: single nucleotide variant.
Coding change: c.1186C>G on transcript NM_000135.4 (MANE Select); coding-DNA position 1186, C replaced by G.
Protein change: p.Leu396Val; replaces leucine 396 with valine.
Molecular consequence: missense variant.
Genome position (GRCh38, 1-based): chr16:89,791,966, G>C on the plus strand (C>G on the coding strand, the complement: FANCA is on the minus strand). VCF-style: chr16-89791966-G-C. GRCh37 (hg19) VCF-style: chr16-89858374-G-C.
Other names: c.1186C>G, p.Leu396Val (NM_001286167.3); short protein forms L396V.
Identifiers: ClinVar variation 3006834 (VCV003006834.3), dbSNP rs1445257468, ClinGen allele CA397466103.

ClinVar aggregate classification (germline): Uncertain significance (1 of 4 stars; one submission).

Conditions:
Fanconi anemia (FA). Also called: Fanconi's anemia. Identifiers: Orphanet 84, MedGen C0015625, MeSH D005199, MONDO:0019391.

Submission:

Labcorp Genetics (formerly Invitae), Labcorp
Classification: Uncertain significance for Fanconi anemia. Last evaluated: 2023-04-10. Review status: criteria provided, single submitter. Criteria: Invitae Variant Classification Sherloc (09022015). Collection method: clinical testing. Allele origin: germline.
Comment: This variant has not been reported in the literature in individuals affected with FANCA-related conditions. This variant is not present in population databases (gnomAD no frequency). This sequence change replaces leucine, which is neutral and non-polar, with valine, which is neutral and non-polar, at codon 396 of the FANCA protein (p.Leu396Val). Advanced modeling of protein sequence and biophysical properties (such as structural, functional, and spatial information, amino acid conservation, physicochemical variation, residue mobility, and thermodynamic stability) performed at Invitae indicates that this missense variant is not expected to disrupt FANCA protein function. In summary, the available evidence is currently insufficient to determine the role of this variant in disease. Therefore, it has been classified as a Variant of Uncertain Significance.